The following is an entry in ClinVar:

ClinVar aggregate classification (germline): Uncertain significance (1 of 4 stars; one submission).

gnomAD v4.1: 1 of 1,613,384 alleles (0.000062%); highest among the groups gnomAD compares: Non-Finnish European, 0.000085%; no homozygotes.

Submission:

Dasa
Classification: Uncertain significance. Last evaluated: 2025-08-04. Review status: criteria provided, single submitter. Criteria: DASA Assertion Criteria. Collection method: clinical testing. Allele origin: germline.
Comment: NM_005763.4(AASS):c.2184+1G>A affects a canonical splice site and is predicted to disrupt normal RNA splicing. This variant is rare in population databases. The currently available literature and clinical evidence are not sufficient to establish a definitive association between this variant and the reported condition. Therefore, this variant is classified as a variant of uncertain significance.

NM_005763.4(AASS):c.2184+1G>A

Gene: AASS (aminoadipate-semialdehyde synthase; minus strand). Cytogenetic location: 7q31.32.
Variant type: single nucleotide variant.
Coding change: c.2184+1G>A on transcript NM_005763.4 (MANE Select); the canonical splice donor site of the intron after coding-DNA position 2184, G replaced by A.
Molecular consequence: splice donor variant.
Genome position (GRCh38, 1-based): chr7:122,086,011, C>T on the plus strand (G>A on the coding strand, the complement: AASS is on the minus strand). VCF-style: chr7-122086011-C-T. GRCh37 (hg19) VCF-style: chr7-121726065-C-T.
Identifiers: ClinVar variation 4885058 (VCV004885058.2).